The following is an entry in ClinVar:

ClinVar aggregate classification (germline): Uncertain significance (1 of 4 stars; one submission).

Conditions:
Duchenne muscular dystrophy (DMD). Also called: MUSCULAR DYSTROPHY, PSEUDOHYPERTROPHIC PROGRESSIVE, DUCHENNE TYPE; Duchenne Muscular Dystrophy (DMD). Identifiers: Orphanet 98896, MedGen C0013264, MONDO:0010679, OMIM 310200.

Submission:

Labcorp Genetics (formerly Invitae), Labcorp
Classification: Uncertain significance for Duchenne muscular dystrophy. Last evaluated: 2023-10-15. Review status: criteria provided, single submitter. Criteria: Invitae Variant Classification Sherloc (09022015). Collection method: clinical testing. Allele origin: germline.
Comment: This sequence change replaces asparagine, which is neutral and polar, with aspartic acid, which is acidic and polar, at codon 755 of the DMD protein (p.Asn755Asp). This variant is not present in population databases (gnomAD no frequency). This variant has not been reported in the literature in individuals affected with DMD-related conditions. Advanced modeling of protein sequence and biophysical properties (such as structural, functional, and spatial information, amino acid conservation, physicochemical variation, residue mobility, and thermodynamic stability) performed at Invitae indicates that this missense variant is not expected to disrupt DMD protein function. In summary, the available evidence is currently insufficient to determine the role of this variant in disease. Therefore, it has been classified as a Variant of Uncertain Significance.

NM_004006.3(DMD):c.2263A>G (p.Asn755Asp)

Gene: DMD (dystrophin; minus strand). Cytogenetic location: Xp21.1.
Variant type: single nucleotide variant.
Coding change: c.2263A>G on transcript NM_004006.3 (MANE Select); coding-DNA position 2263, A replaced by G.
Protein change: p.Asn755Asp; replaces asparagine 755 with aspartic acid.
Molecular consequence: missense variant.
Genome position (GRCh38, 1-based): chrX:32,518,037, T>C on the plus strand (A>G on the coding strand, the complement: DMD is on the minus strand). VCF-style: chrX-32518037-T-C. GRCh37 (hg19) VCF-style: chrX-32536154-T-C.
Other names: c.2239A>G, p.Asn747Asp (NM_000109.4); c.2251A>G, p.Asn751Asp (NM_004009.3); c.1894A>G, p.Asn632Asp (NM_004010.3); short protein forms N751D, N632D, N747D, N755D.
Identifiers: ClinVar variation 2768618 (VCV002768618.3), dbSNP rs2525545446, ClinGen allele CA412663772.